The following is an entry in ClinVar:

ClinVar aggregate classification (germline): Pathogenic (1 of 4 stars; one submission).

Conditions:
VPS13A-related neurodegenerative disease. Also called: ACANTHOCYTOSIS WITH NEUROLOGIC DISORDER; LEVINE-CRITCHLEY SYNDROME; Choreoacanthocytosis; Chorea-acanthocytosis; Choreaacanthocytosis; VPS13A Disease. Identifiers: Orphanet 2388, MedGen C0393576, MONDO:0008695, OMIM 200150.

Submission:

Myriad Genetics, Inc.
Classification: Pathogenic for VPS13A-related neurodegenerative disease. Last evaluated: 2025-08-12. Review status: criteria provided, single submitter. Criteria: Myriad Autosomal Dominant, Autosomal Recessive and X-Linked Classification Criteria (2023). Collection method: clinical testing. Allele origin: unknown.
Comment: NM_033305.2(VPS13A):c.8251G>T(E2751*) is expected to be pathogenic in the context of VPS13A disease. This variant is predicted to lead to an abnormal or absent protein product due to the creation of a premature termination codon in VPS13A, a gene where loss-of-function variants are known to be pathogenic. Please note: this variant was assessed in the context of healthy population screening.

NM_033305.3(VPS13A):c.8251G>T (p.Glu2751Ter)

Gene: VPS13A (vacuolar protein sorting 13 homolog A; plus strand). Cytogenetic location: 9q21.2.
Variant type: single nucleotide variant.
Coding change: c.8251G>T on transcript NM_033305.3 (MANE Select); coding-DNA position 8251, G replaced by T.
Protein change: p.Glu2751Ter; replaces glutamic acid 2751 with a stop codon.
Molecular consequence: nonsense.
Genome position (GRCh38, 1-based): chr9:77,365,499, G>T. VCF-style: chr9-77365499-G-T. GRCh37 (hg19) VCF-style: chr9-79980415-G-T.
Other names: c.8134G>T, p.Glu2712Ter (NM_001018037.2); c.8251G>T, p.Glu2751Ter (NM_001018038.3, NM_015186.4); short protein forms E2712*, E2751*.
Identifiers: ClinVar variation 5014856 (VCV005014856.1).